The following is an entry in ClinVar:

NM_001243133.2(NLRP3):c.2909G>A (p.Arg970Gln)

Gene: NLRP3 (NLR family pyrin domain containing 3; plus strand). Cytogenetic location: 1q44.
Variant type: single nucleotide variant.
Coding change: c.2909G>A on transcript NM_001243133.2 (MANE Select); coding-DNA position 2909, G replaced by A.
Protein change: p.Arg970Gln; replaces arginine 970 with glutamine.
Molecular consequence: missense variant.
Genome position (GRCh38, 1-based): chr1:247,444,725, G>A. VCF-style: chr1-247444725-G-A. GRCh37 (hg19) VCF-style: chr1-247608027-G-A.
Other names: c.2909G>A, p.Arg970Gln (NM_001079821.3); c.2738G>A, p.Arg913Gln (NM_001127461.3, NM_001127462.3); c.2915G>A, p.Arg972Gln (NM_004895.5); c.2567G>A, p.Arg856Gln (NM_183395.3); short protein forms R972Q, R970Q, R913Q, R856Q.
Identifiers: ClinVar variation 2902447 (VCV002902447.5), dbSNP rs751005568, ClinGen allele CA1495393.
Genomic context (GRCh38, chr1:247,444,725, plus strand): 5'-ACCTCACGTCACACTGCTGCTGGGATCTTTCCACACTTCTGACCTCCAGCCAGAGCCTGC[G>A]AAAGCTGAGCCTGGGCAACAATGACCTGGGCGACCTGGGGGTCATGATGTTCTGTGAAGT-3'
Protein context (NP_001230062.1, residues 960-980): STLLTSSQSL[Arg970Gln]KLSLGNNDLG

ClinVar aggregate classification (germline): Uncertain significance. Review status: criteria provided, multiple submitters, no conflicts (2 of 4 stars). 3 submissions from 3 submitters: Uncertain significance (3). Last evaluated 2025-01-16.

Conditions:
Inborn genetic diseases. Identifiers: MedGen C0950123, MeSH D030342.
Cryopyrin associated periodic syndrome (CAPS). Identifiers: Orphanet 208650, MedGen C2316212, MONDO:0016168.

Allele frequency attached by ClinVar (database versions not stated): gnomAD exomes 0.00001; TOPMed 0.00001; ExAC 0.00002; gnomAD 0.00003.
gnomAD v4.1: 24 of 1,614,020 alleles (0.0015%); highest among the groups gnomAD compares: Admixed American, 0.0067%; no homozygotes.

Submissions (3):

Ambry Genetics
Classification: Uncertain significance for Inborn genetic diseases. Last evaluated: 2025-01-16. Review status: criteria provided, single submitter. Criteria: Ambry Variant Classification Scheme 2023. Collection method: clinical testing. Allele origin: germline.

Labcorp Genetics (formerly Invitae), Labcorp
Classification: Uncertain significance for Cryopyrin associated periodic syndrome. Last evaluated: 2024-09-01. Review status: criteria provided, single submitter. Criteria: Invitae Variant Classification Sherloc (09022015). Collection method: clinical testing. Allele origin: germline.
Comment: This sequence change replaces arginine, which is basic and polar, with glutamine, which is neutral and polar, at codon 972 of the NLRP3 protein (p.Arg972Gln). This variant is present in population databases (rs751005568, gnomAD 0.003%). This variant has not been reported in the literature in individuals affected with NLRP3-related conditions. Invitae Evidence Modeling of protein sequence and biophysical properties (such as structural, functional, and spatial information, amino acid conservation, physicochemical variation, residue mobility, and thermodynamic stability) indicates that this missense variant is not expected to disrupt NLRP3 protein function with a negative predictive value of 95%. In summary, the available evidence is currently insufficient to determine the role of this variant in disease. Therefore, it has been classified as a Variant of Uncertain Significance.

GeneDx
Classification: Uncertain significance. Last evaluated: 2023-12-13. Review status: criteria provided, single submitter. Criteria: GeneDx Variant Classification Process June 2021. Collection method: clinical testing. Allele origin: germline. Affected: yes.
Comment: In silico analysis supports that this missense variant does not alter protein structure/function; Has not been previously published as pathogenic or benign to our knowledge; Also known as R970Q